The following is an entry in ClinVar:

NM_001082538.3(TCTN1):c.1283G>A (p.Arg428Gln)

Gene: TCTN1 (tectonic family member 1; plus strand). Cytogenetic location: 12q24.11.
Variant type: single nucleotide variant.
Coding change: c.1283G>A on transcript NM_001082538.3 (MANE Select); coding-DNA position 1283, G replaced by A.
Protein change: p.Arg428Gln; replaces arginine 428 with glutamine.
Molecular consequence: missense variant. On other transcripts: intron variant (2).
Genome position (GRCh38, 1-based): chr12:110,642,341, G>A. VCF-style: chr12-110642341-G-A. GRCh37 (hg19) VCF-style: chr12-111080146-G-A.
Other names: c.1283G>A, p.Arg428Gln (NM_001082537.3); c.1115G>A, p.Arg372Gln (NM_001173975.3); c.749G>A, p.Arg250Gln (NM_001319681.2); c.1241G>A, p.Arg414Gln (NM_024549.6); c.1010+714G>A (NM_001173976.2); c.1190+714G>A (NM_001319680.2); short protein forms R414Q, R428Q, R250Q, R372Q.
Identifiers: ClinVar variation 2047543 (VCV002047543.2), dbSNP rs369266915, ClinGen allele CA6786855.

ClinVar aggregate classification (germline): Uncertain significance (1 of 4 stars; one submission).

Conditions:
Joubert syndrome. Also called: CEREBELLOPARENCHYMAL DISORDER IV; JOUBERT-BOLTSHAUSER SYNDROME; Familial aplasia of the vermis. Identifiers: Orphanet 475, MedGen C5979921, MONDO:0018772.
Meckel-Gruber syndrome. Also called: DYSENCEPHALIA SPLANCHNOCYSTICA; GRUBER SYNDROME; Dysencephalia splachnocystica. Identifiers: Orphanet 564, MedGen C0265215, MONDO:0018921.

Allele frequency attached by ClinVar (database versions not stated): ExAC 0.00002; gnomAD 0.00012; TOPMed 0.00015; ESP Exome Variant Server 0.00017; gnomAD exomes 0.00001.
gnomAD v4.1: 38 of 1,614,016 alleles (0.0024%); highest among the groups gnomAD compares: Admixed American, 0.02%; no homozygotes.

Submission:

Labcorp Genetics (formerly Invitae), Labcorp
Classification: Uncertain significance for Joubert syndrome; Meckel-Gruber syndrome. Last evaluated: 2025-06-12. Review status: criteria provided, single submitter. Criteria: Invitae Variant Classification Sherloc (09022015). Collection method: clinical testing. Allele origin: germline.
Comment: This sequence change replaces arginine, which is basic and polar, with glutamine, which is neutral and polar, at codon 428 of the TCTN1 protein (p.Arg428Gln). This variant is present in population databases (rs369266915, gnomAD 0.01%). This variant has not been reported in the literature in individuals affected with TCTN1-related conditions. ClinVar contains an entry for this variant (Variation ID: 2047543). Invitae Evidence Modeling of protein sequence and biophysical properties (such as structural, functional, and spatial information, amino acid conservation, physicochemical variation, residue mobility, and thermodynamic stability) indicates that this missense variant is expected to disrupt TCTN1 protein function with a positive predictive value of 80%. In summary, the available evidence is currently insufficient to determine the role of this variant in disease. Therefore, it has been classified as a Variant of Uncertain Significance.